The following is an entry in ClinVar:

NM_000380.4(XPA):c.700G>T (p.Val234Leu)

Gene: XPA (XPA, DNA damage recognition and repair factor; minus strand). Cytogenetic location: 9q22.33.
Variant type: single nucleotide variant.
Coding change: c.700G>T on transcript NM_000380.4 (MANE Select); coding-DNA position 700, G replaced by T.
Protein change: p.Val234Leu; replaces valine 234 with leucine.
Molecular consequence: missense variant. On other transcripts: non-coding transcript variant (5).
Genome position (GRCh38, 1-based): chr9:97,675,561, C>A on the plus strand (G>T on the coding strand, the complement: XPA is on the minus strand). VCF-style: chr9-97675561-C-A. GRCh37 (hg19) VCF-style: chr9-100437843-C-A.
Other names: c.574G>T, p.Val192Leu (NM_001354975.2); short protein forms V192L, V234L.
Identifiers: ClinVar variation 731723 (VCV000731723.14), dbSNP rs3176749, ClinGen allele CA5148700.

ClinVar aggregate classification (germline): Likely benign. Review status: criteria provided, multiple submitters, no conflicts (2 of 4 stars). 4 submissions from 4 submitters: Likely benign (4). Last evaluated 2026-01-26.

Conditions:
Xeroderma pigmentosum (XP). Identifiers: Orphanet 910, MedGen C0043346, MONDO:0019600.

Allele frequency attached by ClinVar (database versions not stated): 1000 Genomes Project 0.00080; gnomAD 0.00118; 1000 Genomes Project 30x 0.00125; TOPMed 0.00156; ESP Exome Variant Server 0.00231.

Submissions (4):

Labcorp Genetics (formerly Invitae), Labcorp
Classification: Likely benign. Last evaluated: 2026-01-26. Review status: criteria provided, single submitter. Criteria: Invitae Variant Classification Sherloc (09022015). Collection method: clinical testing. Allele origin: germline.

Blueprint Genetics
Classification: Likely benign. Last evaluated: 2024-08-28. Review status: criteria provided, single submitter. Criteria: ACMG Guidelines, 2015. Collection method: clinical testing. Allele origin: germline.

Sema4
Classification: Likely benign for Xeroderma pigmentosum. Last evaluated: 2021-04-05. Review status: criteria provided, single submitter. Criteria: Sema4 Curation Guidelines. Collection method: curation. Allele origin: germline.

GeneDx
Classification: Likely benign. Last evaluated: 2019-03-29. Review status: criteria provided, single submitter. Criteria: GeneDx Variant Classification Process June 2021. Collection method: clinical testing. Allele origin: germline. Affected: yes.
Comment: See Variant Classification Assertion Criteria.